The following is an entry in ClinVar:

NM_020166.5(MCCC1):c.176A>G (p.Glu59Gly)

Gene: MCCC1 (methylcrotonyl-CoA carboxylase subunit 1; minus strand). Cytogenetic location: 3q27.1.
Variant type: single nucleotide variant.
Coding change: c.176A>G on transcript NM_020166.5 (MANE Select); coding-DNA position 176, A replaced by G.
Protein change: p.Glu59Gly; replaces glutamic acid 59 with glycine.
Molecular consequence: missense variant. On other transcripts: non-coding transcript variant (1), intron variant (2).
Genome position (GRCh38, 1-based): chr3:183,092,506, T>C on the plus strand (A>G on the coding strand, the complement: MCCC1 is on the minus strand). VCF-style: chr3-183092506-T-C. GRCh37 (hg19) VCF-style: chr3-182810294-T-C.
Other names: c.-55+2053A>G (NM_001363880.1); c.44+2053A>G (NM_001293273.2); c.176A>G (NM_020166.4); short protein forms E59G.
Identifiers: ClinVar variation 2699757 (VCV002699757.4), dbSNP rs2530510478, ClinGen allele CA355321790.
Genomic context (GRCh38, chr3:183,092,506, plus strand): 5'-TAAACCGCCACAGTCTGTACACCCAGTTTTTTGGCTGTGCGCATCACCCTGCAGGCAATT[T>C]CTCCTCTGTTTGCAATGAGGACCTTGGTAATGTTTCTTCCTGTTTAAAACACCATGAAAA-3'
Protein context (NP_064551.3, residues 49-69): ITKVLIANRG[Glu59Gly]IACRVMRTAK

ClinVar aggregate classification (germline): Likely pathogenic. Review status: criteria provided, single submitter (1 of 4 stars). 2 submissions from 2 submitters: Likely pathogenic (1). 1 of the submissions does not count toward it. Last evaluated 2023-12-28.

Conditions:
3-methylcrotonyl-CoA carboxylase 1 deficiency (MCC1D). Also called: MCC 1 deficiency; 3 Alpha methylcrotonylglycinuria 1; MCCD TYPE 1; METHYLCROTONYLGLYCINURIA TYPE I. Identifiers: Orphanet 6, MedGen CN028786, MONDO:0008861, OMIM 210200.

Submissions (2):

Labcorp Genetics (formerly Invitae), Labcorp
Classification: Likely pathogenic for 3-methylcrotonyl-CoA carboxylase 1 deficiency. Last evaluated: 2023-12-28. Review status: criteria provided, single submitter. Criteria: Invitae Variant Classification Sherloc (09022015). Collection method: clinical testing. Allele origin: germline.
Comment: This sequence change replaces glutamic acid, which is acidic and polar, with glycine, which is neutral and non-polar, at codon 59 of the MCCC1 protein (p.Glu59Gly). This variant is not present in population databases (gnomAD no frequency). This missense change has been observed in individual(s) with clinical features of MCCC1-related conditions (Invitae). In at least one individual the data is consistent with being in trans (on the opposite chromosome) from a pathogenic variant. Advanced modeling of protein sequence and biophysical properties (such as structural, functional, and spatial information, amino acid conservation, physicochemical variation, residue mobility, and thermodynamic stability) performed at Invitae indicates that this missense variant is expected to disrupt MCCC1 protein function with a positive predictive value of 95%. In summary, the currently available evidence indicates that the variant is pathogenic, but additional data are needed to prove that conclusively. Therefore, this variant has been classified as Likely Pathogenic.

Natera, Inc.
Classification: Uncertain significance for 3-methylcrotonyl-CoA carboxylase 1 deficiency. Last evaluated: 2025-05-21. Review status: no assertion criteria provided. Collection method: clinical testing. Allele origin: germline. Not counted in ClinVar's aggregate classification.